The following is an entry in ClinVar:

ClinVar aggregate classification (germline): Benign/Likely benign. Review status: criteria provided, multiple submitters, no conflicts (2 of 4 stars). 10 submissions from 10 submitters: Benign (6); Likely benign (4). Last evaluated 2026-01-17.

Conditions:
Maturity-onset diabetes of the young (MODY). Also called: Maturity onset diabetes mellitus in young. Identifiers: Orphanet 552, MedGen C0342276, MONDO:0018911, HP:0004904.

Allele frequency attached by ClinVar (database versions not stated): gnomAD exomes 0.00019 and 0.00052; ExAC 0.00064; gnomAD 0.00213 and 0.00232; 1000 Genomes Project 0.00240; TOPMed 0.00259; 1000 Genomes Project 30x 0.00281; ESP Exome Variant Server 0.00284.
gnomAD v4.1: 605 of 1,613,768 alleles (0.037%); highest among the groups gnomAD compares: African/African-American, 0.7%; 4 homozygotes.

Submissions (10):

Labcorp Genetics (formerly Invitae), Labcorp
Classification: Benign. Last evaluated: 2026-01-17. Review status: criteria provided, single submitter. Criteria: Invitae Variant Classification Sherloc (09022015). Collection method: clinical testing. Allele origin: germline.

Blueprint Genetics
Classification: Likely benign. Last evaluated: 2024-07-15. Review status: criteria provided, single submitter. Criteria: ACMG Guidelines, 2015. Collection method: clinical testing. Allele origin: germline.

Women's Health and Genetics/Laboratory Corporation of America, LabCorp
Classification: Benign. Last evaluated: 2024-07-09. Review status: criteria provided, single submitter. Criteria: LabCorp Variant Classification Summary - May 2015. Collection method: clinical testing. Allele origin: germline.

GeneDx
Classification: Likely benign. Last evaluated: 2021-06-25. Review status: criteria provided, single submitter. Criteria: GeneDx Variant Classification Process June 2021. Collection method: clinical testing. Allele origin: germline. Affected: yes.

Athena Diagnostics
Classification: Benign. Last evaluated: 2021-04-06. Review status: criteria provided, single submitter. Criteria: Athena Diagnostics criteria. Collection method: clinical testing. Allele origin: unknown.

Genetic Services Laboratory, University of Chicago
Classification: Benign. Last evaluated: 2017-07-26. Review status: criteria provided, single submitter. Criteria: ACMG Guidelines, 2015. Collection method: clinical testing. Allele origin: germline. Affected: no.

Ambry Genetics
Classification: Likely benign for Maturity-onset diabetes of the young. Last evaluated: 2015-09-27. Review status: criteria provided, single submitter. Criteria: Ambry Variant Classification Scheme 2023. Collection method: clinical testing. Allele origin: germline.

Breakthrough Genomics
Classification: Likely benign. Review status: criteria provided, single submitter. Criteria: ACMG Guidelines, 2015. Collection method: not provided. Allele origin: germline. Inheritance: Autosomal dominant inheritance. Affected: yes.

Clinical Genomics, Uppaluri K&H Personalized Medicine Clinic
Classification: Benign for Maturity-onset diabetes of the young. Review status: criteria provided, single submitter. Criteria: K & H Uppaluri Personalized Medicine Clinic Variant Classification & Assertion Criteria_Updated V.1. Collection method: research. Allele origin: unknown. Inheritance: Autosomal dominant inheritance.
Comment: Mutations in HNF1A gene can predispose to MODY3. It is associated with both micro and macrovascular complications of diabetes, especially cardiovascular complications. Associated with glucosuria. May respond well to sulfonylureas. However, more evidence is required to confer the association of this particular variant rs145589373 with MODY3.

PreventionGenetics, part of Exact Sciences
Classification: Benign. Review status: criteria provided, single submitter. Criteria: ACMG Guidelines, 2015. Collection method: clinical testing. Allele origin: germline.

Literature cited by the submitters: PubMed 16917892 (cited by Women's Health and Genetics/Laboratory Corporation of America, LabCorp); PubMed 31517624 (cited by Clinical Genomics, Uppaluri K&H Personalized Medicine Clinic); PubMed 32395877 (cited by Clinical Genomics, Uppaluri K&H Personalized Medicine Clinic); PubMed 35328643 (cited by Clinical Genomics, Uppaluri K&H Personalized Medicine Clinic); PubMed 35673428 (cited by Clinical Genomics, Uppaluri K&H Personalized Medicine Clinic).

NM_000545.8(HNF1A):c.1425G>A (p.Pro475=)

Gene: HNF1A (HNF1 homeobox A; plus strand). Cytogenetic location: 12q24.31.
Variant type: single nucleotide variant.
Coding change: c.1425G>A on transcript NM_000545.8 (MANE Select); coding-DNA position 1425, G replaced by A.
Protein change: p.Pro475=; no amino-acid change (proline 475 retained).
Molecular consequence: synonymous variant.
Genome position (GRCh38, 1-based): chr12:120,997,589, G>A. VCF-style: chr12-120997589-G-A. GRCh37 (hg19) VCF-style: chr12-121435392-G-A.
Other names: c.1425G>A, p.Pro475= (NM_001306179.2).
Identifiers: ClinVar variation 256595 (VCV000256595.25), dbSNP rs145589373, ClinGen allele CA6832042.